The following is an entry in ClinVar:

ClinVar aggregate classification (germline): Uncertain significance. Review status: criteria provided, multiple submitters, no conflicts (2 of 4 stars). 8 submissions from 8 submitters: Uncertain significance (7). 1 of the submissions does not count toward it. Last evaluated 2026-01-19.

Conditions:
Hereditary cancer-predisposing syndrome. Also called: Tumor predisposition; Hereditary Cancer Syndrome; Hereditary neoplastic syndrome; Neoplastic Syndromes, Hereditary. Identifiers: Orphanet 140162, MedGen C0027672, MeSH D009386, MONDO:0015356.
Familial cancer of breast. Also called: BREAST CANCER, FAMILIAL; hereditary breast carcinoma; Hereditary breast cancer. Identifiers: Orphanet 227535, MedGen C0346153, MONDO:0016419, OMIM 114480. Disease mechanism: loss of function.
Ataxia-telangiectasia syndrome (AT). Also called: LOUIS-BAR SYNDROME; Cerebello-oculocutaneous telangiectasia; Immunodeficiency with ataxia telangiectasia; ATAXIA-TELANGIECTASIA, COMPLEMENTATION GROUP A; ATAXIA-TELANGIECTASIA, FRESNO VARIANT; Ataxia-telangiectasia. Identifiers: Orphanet 100, MedGen C0004135, MONDO:0008840, OMIM 208900.

Allele frequency attached by ClinVar (database versions not stated): TOPMed 0.00001; gnomAD 0.00002.
gnomAD v4.1: 11 of 1,613,392 alleles (0.00068%); highest among the groups gnomAD compares: Admixed American, 0.0017%; no homozygotes.

Submissions (8):

Labcorp Genetics (formerly Invitae), Labcorp
Classification: Uncertain significance for Ataxia-telangiectasia syndrome. Last evaluated: 2026-01-19. Review status: criteria provided, single submitter. Criteria: Invitae Variant Classification Sherloc (09022015). Collection method: clinical testing. Allele origin: germline.
Comment: This sequence change replaces serine, which is neutral and polar, with asparagine, which is neutral and polar, at codon 1360 of the ATM protein (p.Ser1360Asn). This variant is present in population databases (rs764564211, gnomAD 0.003%). This variant has not been reported in the literature in individuals affected with ATM-related conditions. ClinVar contains an entry for this variant (Variation ID: 185171). Invitae Evidence Modeling of protein sequence and biophysical properties (such as structural, functional, and spatial information, amino acid conservation, physicochemical variation, residue mobility, and thermodynamic stability) indicates that this missense variant is not expected to disrupt ATM protein function with a negative predictive value of 95%. In summary, the available evidence is currently insufficient to determine the role of this variant in disease. Therefore, it has been classified as a Variant of Uncertain Significance.

Quest Diagnostics Nichols Institute San Juan Capistrano
Classification: Uncertain significance. Last evaluated: 2025-09-22. Review status: criteria provided, single submitter. Criteria: Quest Diagnostics criteria. Collection method: clinical testing. Allele origin: unknown.

Color Diagnostics, LLC DBA Color Health
Classification: Uncertain significance for Hereditary cancer-predisposing syndrome. Last evaluated: 2024-06-24. Review status: criteria provided, single submitter. Criteria: ACMG Guidelines, 2015. Collection method: clinical testing. Allele origin: germline.
Comment: This missense variant replaces serine with asparagine at codon 1360 of the ATM protein. Computational prediction suggests that this variant may not impact protein structure and function. To our knowledge, functional studies have not been reported for this variant. This variant has not been reported in individuals affected with ATM-related disorders in the literature. This variant has been identified in 3/280086 chromosomes in the general population by the Genome Aggregation Database (gnomAD). The available evidence is insufficient to determine the role of this variant in disease conclusively. Therefore, this variant is classified as a Variant of Uncertain Significance.

Women's Health and Genetics/Laboratory Corporation of America, LabCorp
Classification: Uncertain significance. Last evaluated: 2024-05-21. Review status: criteria provided, single submitter. Criteria: LabCorp Variant Classification Summary - May 2015. Collection method: clinical testing. Allele origin: germline.
Comment: Variant summary: ATM c.4079G>A (p.Ser1360Asn) results in a conservative amino acid change in the encoded protein sequence. Five of five in-silico tools predict a benign effect of the variant on protein function. The variant allele was found at a frequency of 8e-06 in 248692 control chromosomes. The available data on variant occurrences in the general population are insufficient to allow any conclusion about variant significance. To our knowledge, no occurrence of c.4079G>A in individuals affected with Ataxia-Telangiectasia and no experimental evidence demonstrating its impact on protein function have been reported. ClinVar contains an entry for this variant (Variation ID: 185171). Based on the evidence outlined above, the variant was classified as uncertain significance.

Fulgent Genetics
Classification: Uncertain significance for Familial cancer of breast; Ataxia-telangiectasia syndrome. Last evaluated: 2024-02-08. Review status: criteria provided, single submitter. Criteria: ACMG Guidelines, 2015. Collection method: clinical testing. Allele origin: germline.

Ambry Genetics
Classification: Uncertain significance for Hereditary cancer-predisposing syndrome. Last evaluated: 2023-12-21. Review status: criteria provided, single submitter. Criteria: Ambry Variant Classification Scheme 2023. Collection method: clinical testing. Allele origin: germline.
Comment: The p.S1360N variant (also known as c.4079G>A), located in coding exon 26 of the ATM gene, results from a G to A substitution at nucleotide position 4079. The serine at codon 1360 is replaced by asparagine, an amino acid with highly similar properties. This amino acid position is not well conserved in available vertebrate species. In addition, this alteration is predicted to be tolerated by in silico analysis. Since supporting evidence is limited at this time, the clinical significance of this alteration remains unclear.

GeneDx
Classification: Uncertain significance. Last evaluated: 2023-09-14. Review status: criteria provided, single submitter. Criteria: GeneDx Variant Classification Process June 2021. Collection method: clinical testing. Allele origin: germline. Affected: yes.
Comment: Not observed at significant frequency in large population cohorts (gnomAD); In silico analysis supports that this missense variant does not alter protein structure/function; Observed in 0/645 chronic lymphocytic leukemia (CLL) patients and 1/8918 controls of European descent (Tiao et al., 2017); This variant is associated with the following publications: (PMID: 34206535, 28652578)

Natera, Inc.
Classification: Uncertain significance for Ataxia-telangiectasia. Last evaluated: 2020-07-10. Review status: no assertion criteria provided. Collection method: clinical testing. Allele origin: germline. Not counted in ClinVar's aggregate classification.

Literature cited by the submitters: PubMed 28652578 (cited by Ambry Genetics).

NM_000051.4(ATM):c.4079G>A (p.Ser1360Asn)

Gene: ATM (ATM serine/threonine kinase; plus strand). Cytogenetic location: 11q22.3.
Variant type: single nucleotide variant.
Coding change: c.4079G>A on transcript NM_000051.4 (MANE Select); coding-DNA position 4079, G replaced by A.
Protein change: p.Ser1360Asn; replaces serine 1360 with asparagine.
Molecular consequence: missense variant.
Genome position (GRCh38, 1-based): chr11:108,287,685, G>A. VCF-style: chr11-108287685-G-A. GRCh37 (hg19) VCF-style: chr11-108158412-G-A.
Other names: c.4079G>A, p.Ser1360Asn (NM_001351834.2); short protein forms S1360N.
Identifiers: ClinVar variation 185171 (VCV000185171.29), dbSNP rs764564211, ClinGen allele CA191224.